The following is an entry in ClinVar:

NM_015215.4(CAMTA1):c.2107G>C (p.Val703Leu)

Gene: CAMTA1 (calmodulin binding transcription activator 1; plus strand). Cytogenetic location: 1p36.23.
Variant type: single nucleotide variant.
Coding change: c.2107G>C on transcript NM_015215.4 (MANE Select); coding-DNA position 2107, G replaced by C.
Protein change: p.Val703Leu; replaces valine 703 with leucine.
Molecular consequence: missense variant.
Genome position (GRCh38, 1-based): chr1:7,664,654, G>C. VCF-style: chr1-7664654-G-C. GRCh37 (hg19) VCF-style: chr1-7724714-G-C.
Other names: c.2107G>C (NM_015215.2); c.2017G>C, p.Val673Leu (NM_001349608.2, NM_001349612.2); c.2107G>C, p.Val703Leu (NM_001349609.2, NM_001349610.2, NM_001410737.1); c.2035G>C, p.Val679Leu (NM_001410738.1); short protein forms V703L, V673L, V679L.
Identifiers: ClinVar variation 2068370 (VCV002068370.26), dbSNP rs781250966, ClinGen allele CA566570.

ClinVar aggregate classification (germline): Conflicting classifications of pathogenicity. Review status: criteria provided, conflicting classifications (1 of 4 stars). 3 submissions from 3 submitters: Uncertain significance (2); Likely benign (1). Last evaluated 2025-08-03.

Conditions:
Inborn genetic diseases. Identifiers: MedGen C0950123, MeSH D030342.

Allele frequency attached by ClinVar (database versions not stated): gnomAD 0.00001; TOPMed 0.00002; ExAC 0.00003.
gnomAD v4.1: 26 of 1,606,068 alleles (0.0016%); highest among the groups gnomAD compares: Non-Finnish European, 0.0022%; no homozygotes.

Submissions (3):

Ambry Genetics
Classification: Uncertain significance for Inborn genetic diseases. Last evaluated: 2025-08-03. Review status: criteria provided, single submitter. Criteria: Ambry Variant Classification Scheme 2023. Collection method: clinical testing. Allele origin: germline.

Labcorp Genetics (formerly Invitae), Labcorp
Classification: Uncertain significance. Last evaluated: 2024-10-15. Review status: criteria provided, single submitter. Criteria: Invitae Variant Classification Sherloc (09022015). Collection method: clinical testing. Allele origin: germline.
Comment: This sequence change replaces valine, which is neutral and non-polar, with leucine, which is neutral and non-polar, at codon 703 of the CAMTA1 protein (p.Val703Leu). This variant is present in population databases (rs781250966, gnomAD 0.007%). This variant has not been reported in the literature in individuals affected with CAMTA1-related conditions. ClinVar contains an entry for this variant (Variation ID: 2068370). Invitae Evidence Modeling of protein sequence and biophysical properties (such as structural, functional, and spatial information, amino acid conservation, physicochemical variation, residue mobility, and thermodynamic stability) indicates that this missense variant is not expected to disrupt CAMTA1 protein function with a negative predictive value of 80%. In summary, the available evidence is currently insufficient to determine the role of this variant in disease. Therefore, it has been classified as a Variant of Uncertain Significance.

CeGaT Center for Human Genetics Tuebingen
Classification: Likely benign. Last evaluated: 2024-03-01. Review status: criteria provided, single submitter. Criteria: CeGaT Center For Human Genetics Tuebingen Variant Classification Criteria Version 2. Collection method: clinical testing. Allele origin: germline. Affected: yes. Observed: 1 variant allele.
Comment: CAMTA1: BP4